The following is an entry in ClinVar:

NM_005148.4(UNC119):c.610+9G>T

Gene: UNC119 (unc-119 lipid binding chaperone; minus strand). Cytogenetic location: 17q11.2.
Variant type: single nucleotide variant.
Coding change: c.610+9G>T on transcript NM_005148.4 (MANE Select); 9 bases into the intron after coding-DNA position 610, G replaced by T.
Molecular consequence: intron variant. On other transcripts: missense variant (1).
Genome position (GRCh38, 1-based): chr17:28,547,668, C>A on the plus strand (G>T on the coding strand, the complement: UNC119 is on the minus strand). VCF-style: chr17-28547668-C-A. GRCh37 (hg19) VCF-style: chr17-26874686-C-A.
Other names: c.619G>T, p.Ala207Ser (NM_054035.2); c.325+9G>T (NM_001330166.2); short protein forms A207S.
Identifiers: ClinVar variation 2874134 (VCV002874134.3), dbSNP rs1362867810, ClinGen allele CA398330523.

ClinVar aggregate classification (germline): Uncertain significance (1 of 4 stars; one submission).

gnomAD v4.1: 3 of 1,614,166 alleles (0.00019%); highest among the groups gnomAD compares: Non-Finnish European, 0.00025%; no homozygotes.

Submission:

Labcorp Genetics (formerly Invitae), Labcorp
Classification: Uncertain significance. Last evaluated: 2024-02-04. Review status: criteria provided, single submitter. Criteria: Invitae Variant Classification Sherloc (09022015). Collection method: clinical testing. Allele origin: germline.
Comment: This sequence change falls in intron 4 of the UNC119 gene. It does not directly change the encoded amino acid sequence of the UNC119 protein. This variant is not present in population databases (gnomAD no frequency). This variant has not been reported in the literature in individuals affected with UNC119-related conditions. Algorithms developed to predict the effect of sequence changes on RNA splicing suggest that this variant may disrupt the consensus splice site. In summary, the available evidence is currently insufficient to determine the role of this variant in disease. Therefore, it has been classified as a Variant of Uncertain Significance.